The following is an entry in ClinVar:

ClinVar aggregate classification (germline): Uncertain significance (1 of 4 stars; one submission).

Submission:

Dasa
Classification: Uncertain significance. Last evaluated: 2025-08-20. Review status: criteria provided, single submitter. Criteria: DASA Assertion Criteria. Collection method: clinical testing. Allele origin: germline.
Comment: NM_005631.5(SMO):c.316C>A (p.Leu106Ile) is a missense variant that results in the substitution of leucine with isoleucine. This variant is rare in population databases. Computational prediction algorithms are consistent with a deleterious effect. The currently available literature and clinical evidence are not sufficient to establish a definitive association between this variant and the reported condition. Therefore, this variant is classified as a variant of uncertain significance.

NM_005631.5(SMO):c.316C>A (p.Leu106Ile)

Gene: SMO (smoothened, frizzled class receptor; plus strand). Cytogenetic location: 7q32.1.
Variant type: single nucleotide variant.
Coding change: c.316C>A on transcript NM_005631.5 (MANE Select); coding-DNA position 316, C replaced by A.
Protein change: p.Leu106Ile; replaces leucine 106 with isoleucine.
Molecular consequence: missense variant.
Genome position (GRCh38, 1-based): chr7:129,189,467, C>A. VCF-style: chr7-129189467-C-A. GRCh37 (hg19) VCF-style: chr7-128829308-C-A.
Other names: short protein forms L106I.
Identifiers: ClinVar variation 4885035 (VCV004885035.2).
Genomic context (GRCh38, chr7:129,189,467, plus strand): 5'-GGGGCCACCTCCACACTGCTGGCCGGAGACTCGGACTCCCAGGAGGAAGCGCACGGCAAG[C>A]TCGTGCTCTGGTCGGGTAAGTGCGGCGGAGCCGGGTCTGGGGGGCGGGAGGTGCCGCGGT-3'
Protein context (NP_005622.1, residues 96-116): SDSQEEAHGK[Leu106Ile]VLWSGLRNAP